The following is an entry in ClinVar:

NM_004370.6(COL12A1):c.2437+6G>A

Gene: COL12A1 (collagen type XII alpha 1 chain; minus strand). Cytogenetic location: 6q13.
Variant type: single nucleotide variant.
Coding change: c.2437+6G>A on transcript NM_004370.6 (MANE Select); 6 bases into the intron after coding-DNA position 2437, G replaced by A.
Molecular consequence: intron variant.
Genome position (GRCh38, 1-based): chr6:75,177,657, C>T on the plus strand (G>A on the coding strand, the complement: COL12A1 is on the minus strand). VCF-style: chr6-75177657-C-T. GRCh37 (hg19) VCF-style: chr6-75887373-C-T.
Other names: c.73+25063G>A (NM_080645.3).
Identifiers: ClinVar variation 999826 (VCV000999826.9), dbSNP rs1769033413, ClinGen allele CA1638973122.

ClinVar aggregate classification (germline): Uncertain significance (1 of 4 stars; one submission).

Conditions:
Ullrich congenital muscular dystrophy 2 (UCMD2). Identifiers: Orphanet 75840, MedGen C4225314, MONDO:0014654, OMIM 616470.
Bethlem myopathy 2 (BTHLM2). Identifiers: Orphanet 536516, Orphanet 610, MedGen C4225313, MONDO:0034022, OMIM 616471.

Allele frequency attached by ClinVar (database versions not stated): gnomAD exomes below 0.00001.
gnomAD v4.1: 2 of 1,614,040 alleles (0.00012%); highest among the groups gnomAD compares: Non-Finnish European, 0.00017%; no homozygotes.

Submission:

Labcorp Genetics (formerly Invitae), Labcorp
Classification: Uncertain significance for Bethlem myopathy 2; Ullrich congenital muscular dystrophy 2. Last evaluated: 2022-12-02. Review status: criteria provided, single submitter. Criteria: Invitae Variant Classification Sherloc (09022015). Collection method: clinical testing. Allele origin: germline.
Comment: Variants that disrupt the consensus splice site are a relatively common cause of aberrant splicing (PMID: 17576681, 9536098). Algorithms developed to predict the effect of sequence changes on RNA splicing suggest that this variant is not likely to affect RNA splicing. ClinVar contains an entry for this variant (Variation ID: 999826). This variant has not been reported in the literature in individuals affected with COL12A1-related conditions. This variant is not present in population databases (gnomAD no frequency). This sequence change falls in intron 12 of the COL12A1 gene. It does not directly change the encoded amino acid sequence of the COL12A1 protein. It affects a nucleotide within the consensus splice site. In summary, the available evidence is currently insufficient to determine the role of this variant in disease. Therefore, it has been classified as a Variant of Uncertain Significance.

Literature cited by the submitters: PubMed 17576681; PubMed 9536098.